The following is an entry in ClinVar:

NM_007294.4(BRCA1):c.4484+15T>C

Gene: BRCA1 (BRCA1 DNA repair associated; minus strand). Cytogenetic location: 17q21.31.
Variant type: single nucleotide variant.
Coding change: c.4484+15T>C on transcript NM_007294.4 (MANE Select); 15 bases into the intron after coding-DNA position 4484, T replaced by C.
Molecular consequence: intron variant.
Genome position (GRCh38, 1-based): chr17:43,076,473, A>G on the plus strand (T>C on the coding strand, the complement: BRCA1 is on the minus strand). VCF-style: chr17-43076473-A-G. GRCh37 (hg19) VCF-style: chr17-41228490-A-G.
Other names: c.4481+15T>C (NM_001407859.1, NM_001407620.1, NM_001407623.1 and 17 more transcripts); c.4484+15T>C (NM_001407605.1, NM_001407597.1, NM_001407603.1 and 8 more transcripts); c.4550+15T>C (NM_001407582.1, NM_001407581.1); c.4268+15T>C (NM_001407917.1, NM_001407918.1, NM_001407915.1 and 1 more transcripts); c.1031+15T>C (NM_001408462.1, NM_001408464.1, NM_001408467.1 and 7 more transcripts); c.4271+15T>C (NM_001407902.1, NM_001407897.1, NM_001407898.1 and 12 more transcripts); c.1094+15T>C (NM_001408414.1, NM_001408412.1, NM_001408413.1 and 2 more transcripts); c.1097+15T>C (NM_001408411.1); and 71 more.
Identifiers: ClinVar variation 415562 (VCV000415562.16), dbSNP rs760275914, ClinGen allele CA052343.

ClinVar aggregate classification (germline): Likely benign. Review status: criteria provided, multiple submitters, no conflicts (2 of 4 stars). 3 submissions from 3 submitters: Likely benign (2). 1 of the submissions does not count toward it. Last evaluated 2025-11-10.

Conditions:
Hereditary cancer-predisposing syndrome. Also called: Tumor predisposition; Neoplastic Syndromes, Hereditary; Hereditary neoplastic syndrome; Hereditary Cancer Syndrome. Identifiers: Orphanet 140162, MedGen C0027672, MeSH D009386, MONDO:0015356.
Hereditary breast ovarian cancer syndrome. Also called: Breast and ovarian cancer; Hereditary breast and ovarian cancer; Hereditary breast and/or ovarian cancer syndrome; BRCA1- and BRCA2-Associated Hereditary Breast and Ovarian Cancer; Hereditary breast and ovarian cancer syndrome (HBOC); Hereditary breast and ovarian cancer syndrome. Identifiers: Orphanet 145, MedGen C0677776, MeSH D061325, MONDO:0003582. Disease mechanism: loss of function.
Malignant tumor of breast. Also called: Malignant breast neoplasm; Cancer breast. Identifiers: MedGen C0006142, MONDO:0007254. Disease mechanism: loss of function.

Allele frequency attached by ClinVar (database versions not stated): TOPMed below 0.00001; ExAC 0.00001; gnomAD 0.00001; gnomAD exomes 0.00001.
gnomAD v4.1: 12 of 1,613,106 alleles (0.00074%); highest among the groups gnomAD compares: Non-Finnish European, 0.00093%; no homozygotes.

Submissions (3):

Labcorp Genetics (formerly Invitae), Labcorp
Classification: Likely benign for Hereditary breast ovarian cancer syndrome. Last evaluated: 2025-11-10. Review status: criteria provided, single submitter. Criteria: Invitae Variant Classification Sherloc (09022015). Collection method: clinical testing. Allele origin: germline.

Color Diagnostics, LLC DBA Color Health
Classification: Likely benign for Hereditary cancer-predisposing syndrome. Last evaluated: 2016-12-05. Review status: criteria provided, single submitter. Criteria: ACMG Guidelines, 2015. Collection method: clinical testing. Allele origin: germline.

Department of Pathology and Laboratory Medicine, Sinai Health System
Classification: Uncertain significance for Malignant tumor of breast. Review status: no assertion criteria provided. Collection method: clinical testing. Allele origin: unknown. Affected: yes. Study: The Canadian Open Genetics Repository (COGR). Not counted in ClinVar's aggregate classification.
Comment: The BRCA1 c.4484+15T>C variant was not identified in the literature, nor was it identified in dbSNP, the 1000 Genomes Project, the NHLBI Exome Sequencing Project, GeneInsight COGR, COSMIC, MutDB, BRCA Share, BIC, ARUP Laboratories BRCA Mutations Database, the Fanconi Anemia Mutation Database (LOVD) or LOVD-IARC. This variant was identified in ClinVar(classified as likely benign by Invitae), Clinvitae (1X), and in the genome Aggregation Database (beta, October 19th 2016) in 2 of 252014 chromosomes (freq. 0.00001) and in the Exome Aggregation Consortium database (August 8th 2016) in 1 of 121336 chromosomes (freq. 0.00001) in the following populations: European in 1 of 66692 chromosomes (freq. 0.00001), but was not seen in African, Asian, Finnish, Latino and Other populations. The variant occurs outside of the splicing consensus sequence and in silico or computational prediction software programs (SpliceSiteFinder, MaxEntScan, NNSPLICE, GeneSplicer, HumanSpliceFinder) do not predict a difference in splicing. In summary, based on the above information, the clinical significance of this variant cannot be determined with certainty at this time. This variant is classified as a variant of uncertain significance.